The following is an entry in ClinVar:

ClinVar aggregate classification (germline): Uncertain significance. Review status: criteria provided, multiple submitters, no conflicts (2 of 4 stars). 3 submissions from 3 submitters: Uncertain significance (3). Last evaluated 2025-03-14.

Conditions:
Polycystic kidney disease, adult type (PKD1). Also called: Polycystic Kidney Disease 1, Autosomal Dominant; Polycystic kidney disease 1; Polycystic kidney disease 1, severe; POLYCYSTIC KIDNEY DISEASE, ADULT, TYPE I; POLYCYSTIC KIDNEY DISEASE 1 WITH OR WITHOUT POLYCYSTIC LIVER DISEASE; Polycystic Kidney, Autosomal Dominant. Identifiers: MedGen C3149841, MONDO:0008263, OMIM 173900.

Submissions (3):

Women's Health and Genetics/Laboratory Corporation of America, LabCorp
Classification: Uncertain significance. Last evaluated: 2025-03-14. Review status: criteria provided, single submitter. Criteria: LabCorp Variant Classification Summary - May 2015. Collection method: clinical testing. Allele origin: germline.
Comment: Variant summary: PKD1 c.303C>A (p.Asn101Lys) results in a non-conservative amino acid change in the encoded protein sequence. Four of five in-silico tools predict a damaging effect of the variant on protein function. The frequency data for this variant in gnomAD is considered unreliable, as metrics indicate poor data quality at this position. c.303C>A has been reported in the literature in an individuals affected with Polycystic Kidney Disease 1 (Hogan_2015). These data do not allow any conclusion about variant significance. To our knowledge, no experimental evidence demonstrating an impact on protein function has been reported. The following publication has been ascertained in the context of this evaluation (PMID: 25475747). ClinVar contains an entry for this variant (Variation ID: 994372). Based on the evidence outlined above, the variant was classified as uncertain significance.

GeneDx
Classification: Uncertain significance. Last evaluated: 2024-01-26. Review status: criteria provided, single submitter. Criteria: GeneDx Variant Classification Process June 2021. Collection method: clinical testing. Allele origin: germline. Affected: yes.
Comment: Not observed at significant frequency in large population cohorts (gnomAD); In silico analysis supports that this missense variant has a deleterious effect on protein structure/function; This variant is associated with the following publications: (PMID: 25475747)

ARUP Laboratories, Molecular Genetics and Genomics, ARUP Laboratories
Classification: Uncertain significance for Polycystic kidney disease, adult type. Last evaluated: 2019-08-29. Review status: criteria provided, single submitter. Criteria: ARUP Molecular Germline Variant Investigation Process. Collection method: clinical testing. Allele origin: germline.
Comment: The PKD1 c.303C>A; p.Asn101Lys variant is reported in the literature in at least one individual affected with autosomal dominant polycystic kidney disease (ADPKD; Carrera 2016). This variant is absent from general population databases (Exome Variant Server, Genome Aggregation Database), indicating it is not a common polymorphism. The asparagine at codon 101 is highly conserved, and computational analyses (SIFT, PolyPhen-2) predict that this variant is deleterious. Additionally, other variants at this codon (c.302A>G, p.Asn101Ser; c.301A>G, p.Asn101Asp) have been reported in individuals with ADPKD (ADPKD mutation database, Carrera 2016). However, given the lack of clinical and functional data, the significance of the p.Asn101Lys variant is uncertain at this time. References: Link to ADPKD mutation database: Carrera P et al. Deciphering Variability of PKD1 and PKD2 in an Italian Cohort of 643 Patients with Autosomal Dominant Polycystic Kidney Disease (ADPKD). Sci Rep. 2016 Aug 8;6:30850.

Literature cited by the submitters: PubMed 25475747 (cited by Women's Health and Genetics/Laboratory Corporation of America, LabCorp).

NM_001009944.3(PKD1):c.303C>A (p.Asn101Lys)

Gene: PKD1 (polycystin 1, transient receptor potential channel interacting; minus strand). Cytogenetic location: 16p13.3.
Variant type: single nucleotide variant.
Coding change: c.303C>A on transcript NM_001009944.3 (MANE Select); coding-DNA position 303, C replaced by A.
Protein change: p.Asn101Lys; replaces asparagine 101 with lysine.
Molecular consequence: missense variant.
Genome position (GRCh38, 1-based): chr16:2,119,170, G>T on the plus strand (C>A on the coding strand, the complement: PKD1 is on the minus strand). VCF-style: chr16-2119170-G-T. GRCh37 (hg19) VCF-style: chr16-2169171-G-T.
Other names: c.303C>A (NM_001009944.2); c.303C>A, p.Asn101Lys (NM_000296.4); short protein forms N101K.
Identifiers: ClinVar variation 994372 (VCV000994372.10), dbSNP rs2092684130, ClinGen allele CA394396016.